The following is an entry in ClinVar:

ClinVar aggregate classification (germline): Uncertain significance (1 of 4 stars; one submission).

Conditions:
Ataxia-telangiectasia syndrome (AT). Also called: ATAXIA-TELANGIECTASIA, FRESNO VARIANT; Ataxia-telangiectasia, complementation group D; AT, COMPLEMENTATION GROUP C; Ataxia-telangiectasia; Ataxia-telangiectasia, complementation group E; Ataxia telangiectasia (A-T). Identifiers: Orphanet 100, MedGen C0004135, MONDO:0008840, OMIM 208900.

Submission:

Labcorp Genetics (formerly Invitae), Labcorp
Classification: Uncertain significance for Ataxia-telangiectasia syndrome. Last evaluated: 2021-01-15. Review status: criteria provided, single submitter. Criteria: Invitae Variant Classification Sherloc (09022015). Collection method: clinical testing. Allele origin: germline.
Comment: In summary, the available evidence is currently insufficient to determine the role of this variant in disease. Therefore, it has been classified as a Variant of Uncertain Significance. Advanced modeling of protein sequence and biophysical properties (such as structural, functional, and spatial information, amino acid conservation, physicochemical variation, residue mobility, and thermodynamic stability) performed at Invitae indicates that this missense variant is not expected to disrupt ATM protein function. This variant has not been reported in the literature in individuals with ATM-related conditions. This variant is not present in population databases (ExAC no frequency). This sequence change replaces leucine with phenylalanine at codon 1061 of the ATM protein (p.Leu1061Phe). The leucine residue is highly conserved and there is a small physicochemical difference between leucine and phenylalanine.

NM_000051.4(ATM):c.3181C>T (p.Leu1061Phe)

Gene: ATM (ATM serine/threonine kinase; plus strand). Cytogenetic location: 11q22.3.
Variant type: single nucleotide variant.
Coding change: c.3181C>T on transcript NM_000051.4 (MANE Select); coding-DNA position 3181, C replaced by T.
Protein change: p.Leu1061Phe; replaces leucine 1061 with phenylalanine.
Molecular consequence: missense variant.
Genome position (GRCh38, 1-based): chr11:108,272,749, C>T. VCF-style: chr11-108272749-C-T. GRCh37 (hg19) VCF-style: chr11-108143476-C-T.
Other names: c.3181C>T, p.Leu1061Phe (NM_001351834.2); short protein forms L1061F.
Identifiers: ClinVar variation 1062200 (VCV001062200.9), dbSNP rs1565428509, ClinGen allele CA382515630.